The following is an entry in ClinVar:

ClinVar aggregate classification (germline): Pathogenic/Likely pathogenic. Review status: criteria provided, multiple submitters, no conflicts (2 of 4 stars). 4 submissions from 4 submitters: Pathogenic (3); Likely pathogenic (1). Last evaluated 2024-10-16.

Conditions:
Hereditary insensitivity to pain with anhidrosis (CIPA). Also called: hereditary sensory and autonomic neuropathy type 4; HSAN Type IV; INSENSITIVITY TO PAIN, CONGENITAL, WITH ANHIDROSIS; FAMILIAL DYSAUTONOMIA, TYPE II; NEUROPATHY, CONGENITAL SENSORY, WITH ANHIDROSIS; NTRK1 Congenital Insensitivity to Pain with Anhidrosis. Identifiers: Orphanet 642, MedGen C0020074, MONDO:0009746, OMIM 256800.
NTRK1-related disorder. Also called: NTRK1-related condition.

Allele frequency attached by ClinVar (database versions not stated): ExAC 0.00001; gnomAD 0.00001; gnomAD exomes 0.00001.

Submissions (4):

Natera, Inc.
Classification: Pathogenic for Hereditary insensitivity to pain with anhidrosis. Last evaluated: 2024-10-16. Review status: criteria provided, single submitter. Criteria: Natera Variant Classification Schema (03/2026). Collection method: clinical testing. Allele origin: germline.
Comment: The c.2122G>A variant in NTRK1 is a missense variant predicted to cause substitution of glycine to serine at amino acid 708. This variant is rare in the general population with a frequency below the threshold expected for the associated phenotype(s). This variant has been observed in one or more individuals affected with the associated recessive disease, as either homozygous or compound heterozygous with a second variant (PMID: 34405299, 10330344, 32219930). Functional studies show that this variant may disrupt protein function (PMID: 11719521, 11159935). Computational prediction algorithms indicate this variant is likely to affect gene or protein function. Given the available evidence, this variant is classified as Pathogenic.

Labcorp Genetics (formerly Invitae), Labcorp
Classification: Pathogenic for Hereditary insensitivity to pain with anhidrosis. Last evaluated: 2024-02-16. Review status: criteria provided, single submitter. Criteria: Invitae Variant Classification Sherloc (09022015). Collection method: clinical testing. Allele origin: germline.
Comment: This sequence change replaces glycine, which is neutral and non-polar, with serine, which is neutral and polar, at codon 708 of the NTRK1 protein (p.Gly708Ser). This variant is present in population databases (rs770727871, gnomAD 0.009%). This missense change has been observed in individuals with congenital insensitivity to pain syndrome (PMID: 10330344, 32219930, 34405299). ClinVar contains an entry for this variant (Variation ID: 2506238). Advanced modeling of protein sequence and biophysical properties (such as structural, functional, and spatial information, amino acid conservation, physicochemical variation, residue mobility, and thermodynamic stability) performed at Invitae indicates that this missense variant is expected to disrupt NTRK1 protein function with a positive predictive value of 80%. Experimental studies have shown that this missense change affects NTRK1 function (PMID: 11159935, 11719521). This variant disrupts the p.Gly708 amino acid residue in NTRK1. Other variant(s) that disrupt this residue have been observed in individuals with NTRK1-related conditions (PMID: 25984678, 30774415), which suggests that this may be a clinically significant amino acid residue. For these reasons, this variant has been classified as Pathogenic.

Women's Health and Genetics/Laboratory Corporation of America, LabCorp
Classification: Pathogenic for Hereditary insensitivity to pain with anhidrosis. Last evaluated: 2023-05-05. Review status: criteria provided, single submitter. Criteria: LabCorp Variant Classification Summary - May 2015. Collection method: clinical testing. Allele origin: germline.
Comment: Variant summary: NTRK1 c.2122G>A (p.Gly708Ser) results in a non-conservative amino acid change located in the Protein kinase domain (IPR000719) of the encoded protein sequence. Five of five in-silico tools predict a damaging effect of the variant on protein function. The variant allele was found at a frequency of 1.6e-05 in 251228 control chromosomes. c.2122G>A has been reported in the literature in homozygous individuals affected with Hereditary Insensitivity To Pain With Anhidrosis (examples: Mardy_1999, Echaniz-Laguna_2021). These data indicate that the variant is likely to be associated with disease. At least one publication reports experimental evidence evaluating an impact on protein function, showing the variant's effect on the protein active site results in near-complete loss of kinase function (example: Miranda_2002). The following publications have been ascertained in the context of this evaluation (PMID: 34405299, 10330344, 11719521). No clinical diagnostic laboratories have submitted clinical-significance assessments for this variant to ClinVar after 2014. Based on the evidence outlined above, the variant was classified as pathogenic.

Blueprint Genetics
Classification: Likely pathogenic for NTRK1-related disorders. Last evaluated: 2017-07-19. Review status: criteria provided, single submitter. Criteria: ACMG Guidelines, 2015. Collection method: clinical testing. Allele origin: germline. Affected: yes. Observed: 1 variant allele.

Literature cited by the submitters: PubMed 34405299 (cited by 3 submitters); PubMed 10330344 (cited by 3 submitters); PubMed 32219930 (cited by Natera, Inc. and Labcorp Genetics (formerly Invitae), Labcorp); PubMed 11719521 (cited by 3 submitters); PubMed 11159935 (cited by Natera, Inc. and Labcorp Genetics (formerly Invitae), Labcorp); PubMed 25984678 (cited by Labcorp Genetics (formerly Invitae), Labcorp); PubMed 30774415 (cited by Labcorp Genetics (formerly Invitae), Labcorp).

NM_002529.4(NTRK1):c.2140G>A (p.Gly714Ser)

Gene: NTRK1 (neurotrophic receptor tyrosine kinase 1; plus strand). Cytogenetic location: 1q23.1.
Variant type: single nucleotide variant.
Coding change: c.2140G>A on transcript NM_002529.4 (MANE Select); coding-DNA position 2140, G replaced by A.
Protein change: p.Gly714Ser; replaces glycine 714 with serine.
Molecular consequence: missense variant.
Genome position (GRCh38, 1-based): chr1:156,880,092, G>A. VCF-style: chr1-156880092-G-A. GRCh37 (hg19) VCF-style: chr1-156849884-G-A.
Other names: c.2122G>A, p.Gly708Ser (NM_001012331.2); c.2140G>A, p.Gly714Ser (NM_001007204.1); c.2032G>A, p.Gly678Ser (NM_001007792.1); short protein forms G678S, G708S, G714S.
Identifiers: ClinVar variation 2506238 (VCV002506238.6), dbSNP rs770727871, ClinGen allele CA1169575.